The following is an entry in ClinVar:

NM_000492.4(CFTR):c.4144C>A (p.Gln1382Lys)

Gene: CFTR (CF transmembrane conductance regulator; plus strand). Cytogenetic location: 7q31.2.
Variant type: single nucleotide variant.
Coding change: c.4144C>A on transcript NM_000492.4 (MANE Select); coding-DNA position 4144, C replaced by A.
Protein change: p.Gln1382Lys; replaces glutamine 1382 with lysine.
Molecular consequence: missense variant.
Genome position (GRCh38, 1-based): chr7:117,665,466, C>A. VCF-style: chr7-117665466-C-A. GRCh37 (hg19) VCF-style: chr7-117305520-C-A.
Other names: short protein forms Q1382K.
Identifiers: ClinVar variation 1738191 (VCV001738191.3), dbSNP rs397508684, ClinGen allele CA4451653.

ClinVar aggregate classification (germline): Uncertain significance. Review status: criteria provided, multiple submitters, no conflicts (2 of 4 stars). 2 submissions from 2 submitters: Uncertain significance (2). Last evaluated 2025-12-10.

Conditions:
Cystic fibrosis (CF). Also called: MUCOVISCIDOSIS. Identifiers: Orphanet 586, MedGen C0010674, MONDO:0009061, OMIM 219700. Disease mechanism: loss of function.

Allele frequency attached by ClinVar (database versions not stated): TOPMed 0.00001; ExAC 0.00001; gnomAD 0.00001.
gnomAD v4.1: 4 of 1,594,332 alleles (0.00025%); highest among the groups gnomAD compares: Non-Finnish European, 0.00034%; no homozygotes.

Submissions (2):

Labcorp Genetics (formerly Invitae), Labcorp
Classification: Uncertain significance for Cystic fibrosis. Last evaluated: 2025-12-10. Review status: criteria provided, single submitter. Criteria: Invitae Variant Classification Sherloc (09022015). Collection method: clinical testing. Allele origin: germline.
Comment: This sequence change replaces glutamine, which is neutral and polar, with lysine, which is basic and polar, at codon 1382 of the CFTR protein (p.Gln1382Lys). This variant is present in population databases (rs397508684, gnomAD 0.0009%). This variant has not been reported in the literature in individuals affected with CFTR-related conditions. ClinVar contains an entry for this variant (Variation ID: 1738191). Invitae Evidence Modeling of protein sequence and biophysical properties (such as structural, functional, and spatial information, amino acid conservation, physicochemical variation, residue mobility, and thermodynamic stability) indicates that this missense variant is not expected to disrupt CFTR protein function with a negative predictive value of 80%. In summary, the available evidence is currently insufficient to determine the role of this variant in disease. Therefore, it has been classified as a Variant of Uncertain Significance.

Ambry Genetics
Classification: Uncertain significance for Cystic fibrosis. Last evaluated: 2021-08-19. Review status: criteria provided, single submitter. Criteria: Ambry Variant Classification Scheme 2023. Collection method: clinical testing. Allele origin: germline.
Comment: The p.Q1382K variant (also known as c.4144C>A), located in coding exon 26 of the CFTR gene, results from a C to A substitution at nucleotide position 4144. The glutamine at codon 1382 is replaced by lysine, an amino acid with similar properties. This amino acid position is highly conserved in available vertebrate species. In addition, the in silico prediction for this alteration is inconclusive. Since supporting evidence is limited at this time, the clinical significance of this variant remains unclear.